The following is an entry in ClinVar:

ClinVar aggregate classification (germline): Benign/Likely benign. Review status: criteria provided, multiple submitters, no conflicts (2 of 4 stars). 7 submissions from 7 submitters: Benign (1); Likely benign (4). 2 of the submissions do not count toward it. Last evaluated 2024-11-27.

Conditions:
Hermansky-Pudlak syndrome 1 (HPS1). Also called: DELTA STORAGE POOL DISEASE. Identifiers: Orphanet 231500, Orphanet 79430, MedGen C2931875, MONDO:0008748, OMIM 203300.

Allele frequency attached by ClinVar (database versions not stated): 1000 Genomes Project 30x 0.00141; 1000 Genomes Project 0.00160; gnomAD exomes 0.00294; TOPMed 0.00303; ESP Exome Variant Server 0.00323; gnomAD 0.00328 and 0.00352; ExAC 0.00373.
gnomAD v4.1: 6,597 of 1,606,024 alleles (0.41%); highest among the groups gnomAD compares: Non-Finnish European, 0.51%; 21 homozygotes.

Submissions (7):

Blueprint Genetics
Classification: Likely benign. Last evaluated: 2024-11-27. Review status: criteria provided, single submitter. Criteria: ACMG Guidelines, 2015. Collection method: clinical testing. Allele origin: germline.

Illumina Laboratory Services, Illumina
Classification: Likely benign for Hermansky-Pudlak syndrome 1. Last evaluated: 2018-01-13. Review status: criteria provided, single submitter. Criteria: ICSL Variant Classification Criteria 13 December 2019. Collection method: clinical testing. Allele origin: germline.
Comment: This variant was observed in the ICSL laboratory as part of a predisposition screen in an ostensibly healthy population. It had not been previously curated by ICSL or reported in the Human Gene Mutation Database (HGMD: prior to June 1st, 2018), and was therefore a candidate for classification through an automated scoring system. Utilizing variant allele frequency, disease prevalence and penetrance estimates, and inheritance mode, an automated score was calculated to assess if this variant is too frequent to cause the disease. Based on the score and internal cut-off values, a variant classified as likely benign is not then subjected to further curation. The score for this variant resulted in a classification of likely benign for this disease.

Eurofins Ntd Llc (ga)
Classification: Benign. Last evaluated: 2016-03-12. Review status: criteria provided, single submitter. Criteria: EGL Classification Definitions 2015. Collection method: clinical testing. Allele origin: germline. Observed: 3 variant alleles, 3 heterozygotes.

Breakthrough Genomics
Classification: Likely benign. Review status: criteria provided, single submitter. Criteria: ACMG Guidelines, 2015. Collection method: not provided. Allele origin: germline. Inheritance: Autosomal recessive inheritance. Affected: yes.

PreventionGenetics, part of Exact Sciences
Classification: Likely benign. Review status: criteria provided, single submitter. Criteria: ACMG Guidelines, 2015. Collection method: clinical testing. Allele origin: germline.

Clinical Genetics, Academic Medical Center
Classification: Likely benign. Review status: no assertion criteria provided. Collection method: clinical testing. Allele origin: germline. Affected: yes. Study: VKGL Data-share Consensus. Not counted in ClinVar's aggregate classification.

Genome Diagnostics Laboratory, University Medical Center Utrecht
Classification: Likely benign. Review status: no assertion criteria provided. Collection method: clinical testing. Allele origin: germline. Affected: yes. Study: VKGL Data-share Consensus. Not counted in ClinVar's aggregate classification.

NM_000195.5(HPS1):c.*12C>T

Gene: HPS1 (HPS1 biogenesis of lysosomal organelles complex 3 subunit 1; minus strand). Cytogenetic location: 10q24.2.
Variant type: single nucleotide variant.
Coding change: c.*12C>T on transcript NM_000195.5 (MANE Select); 12 bases downstream of the stop codon, C replaced by T.
Molecular consequence: 3 prime UTR variant.
Genome position (GRCh38, 1-based): chr10:98,417,552, G>A on the plus strand (C>T on the coding strand, the complement: HPS1 is on the minus strand). VCF-style: chr10-98417552-G-A. GRCh37 (hg19) VCF-style: chr10-100177309-G-A.
Other names: c.*12C>T (NM_001311345.2, NM_001322476.2, NM_001322477.2 and 10 more transcripts).
Identifiers: ClinVar variation 255497 (VCV000255497.14), dbSNP rs112544050, ClinGen allele CA5638780.